The following is an entry in ClinVar:

NM_004036.5(ADCY3):c.2191T>C (p.Tyr731His)

Gene: ADCY3 (adenylate cyclase 3; minus strand). Cytogenetic location: 2p23.3.
Variant type: single nucleotide variant.
Coding change: c.2191T>C on transcript NM_004036.5 (MANE Select); coding-DNA position 2191, T replaced by C.
Protein change: p.Tyr731His; replaces tyrosine 731 with histidine.
Molecular consequence: missense variant. On other transcripts: intron variant (2).
Genome position (GRCh38, 1-based): chr2:24,828,143, A>G on the plus strand (T>C on the coding strand, the complement: ADCY3 is on the minus strand). VCF-style: chr2-24828143-A-G. GRCh37 (hg19) VCF-style: chr2-25051012-A-G.
Other names: c.2191T>C, p.Tyr731His (NM_001320613.2, NM_001377132.1); c.2257T>C, p.Tyr753His (NM_001377128.1); c.1468T>C, p.Tyr490His (NM_001377131.1); c.2172+2566T>C (NM_001377130.1); c.2173-120T>C (NM_001377129.1); short protein forms Y753H, Y490H, Y731H.
Identifiers: ClinVar variation 4994873 (VCV004994873.1).

ClinVar aggregate classification (germline): Uncertain significance (1 of 4 stars; one submission).

Conditions:
ADCY3-related disorder. Also called: ADCY3-related condition.

gnomAD v4.1: 1 of 1,613,904 alleles (0.000062%); highest among the groups gnomAD compares: East Asian, 0.0022%; no homozygotes.

Submission:

PreventionGenetics, part of Exact Sciences
Classification: Uncertain significance for ADCY3-related condition. Last evaluated: 2026-07-17. Review status: criteria provided, single submitter. Criteria: ACMG Guidelines, 2015. Collection method: clinical testing. Allele origin: germline.
Comment: The ADCY3 c.2191T>C variant is predicted to result in the amino acid substitution p.Tyr731His. To our knowledge, this variant has not been reported in the literature. This variant is reported in 0.0054% of alleles in individuals of East Asian descent in gnomAD. At this time, the clinical significance of this variant is uncertain due to the absence of conclusive functional and genetic evidence.